The following is an entry in ClinVar:

NM_005633.4(SOS1):c.2063+44T>C

Gene: SOS1 (SOS Ras/Rac guanine nucleotide exchange factor 1; minus strand). Cytogenetic location: 2p22.1.
Variant type: single nucleotide variant.
Coding change: c.2063+44T>C on transcript NM_005633.4 (MANE Select); 44 bases into the intron after coding-DNA position 2063, T replaced by C.
Molecular consequence: intron variant.
Genome position (GRCh38, 1-based): chr2:39,013,823, A>G on the plus strand (T>C on the coding strand, the complement: SOS1 is on the minus strand). VCF-style: chr2-39013823-A-G. GRCh37 (hg19) VCF-style: chr2-39240964-A-G.
Other names: c.2042+44T>C (NM_001382394.1); c.2063+44T>C (NM_001382395.1).
Identifiers: ClinVar variation 259843 (VCV000259843.3), dbSNP rs111576630, ClinGen allele CA1624479.

ClinVar aggregate classification (germline): Likely benign. Review status: criteria provided, multiple submitters, no conflicts (2 of 4 stars). 4 submissions from 3 submitters: Likely benign (4). Last evaluated 2018-06-14.

Conditions:
Fibromatosis, gingival, 1 (GINGF1). Identifiers: Orphanet 2024, MedGen C4551558, MONDO:0007609, OMIM 135300.
Noonan syndrome 4 (NS4). Also called: SOS1-Related Noonan Syndrome; NOONAN SYNDROME WITH PIGMENTED VILLONODULAR SYNOVITIS. Identifiers: Orphanet 648, MedGen C1853120, MONDO:0012547, OMIM 610733.

Allele frequency attached by ClinVar (database versions not stated): ESP Exome Variant Server 0.00023; TOPMed 0.00068; 1000 Genomes Project 30x 0.00656; 1000 Genomes Project 0.00659.
gnomAD v4.1: 2,185 of 1,571,888 alleles (0.14%); highest among the groups gnomAD compares: South Asian, 1.7%; 29 homozygotes.

Submissions (4):

GeneDx
Classification: Likely benign. Last evaluated: 2018-06-14. Review status: criteria provided, single submitter. Criteria: GeneDx Variant Classification (06012015). Collection method: clinical testing. Allele origin: germline. Affected: yes.
Comment: This variant is considered likely benign or benign based on one or more of the following criteria: it is a conservative change, it occurs at a poorly conserved position in the protein, it is predicted to be benign by multiple in silico algorithms, and/or has population frequency not consistent with disease.

Genome-Nilou Lab
Classification: Likely benign for Noonan syndrome 4. Review status: criteria provided, single submitter. Criteria: ACMG Guidelines, 2015. Collection method: clinical testing. Allele origin: germline.

Genome-Nilou Lab
Classification: Likely benign for Fibromatosis, gingival, 1. Review status: criteria provided, single submitter. Criteria: ACMG Guidelines, 2015. Collection method: clinical testing. Allele origin: germline.

PreventionGenetics, part of Exact Sciences
Classification: Likely benign. Review status: criteria provided, single submitter. Criteria: ACMG Guidelines, 2015. Collection method: clinical testing. Allele origin: germline.